The following is an entry in ClinVar:

NM_012210.4(TRIM32):c.1045G>C (p.Ala349Pro)

Genes: ASTN2 (astrotactin 2; minus strand), TRIM32 (tripartite motif containing 32; plus strand). Cytogenetic location: 9q33.1.
Variant type: single nucleotide variant.
Coding change: c.1045G>C on transcript NM_012210.4 (MANE Select); coding-DNA position 1045, G replaced by C.
Protein change: p.Ala349Pro; replaces alanine 349 with proline.
Molecular consequence: missense variant. On other transcripts: intron variant (3).
Genome position (GRCh38, 1-based): chr9:116,698,787, G>C. VCF-style: chr9-116698787-G-C. GRCh37 (hg19) VCF-style: chr9-119461066-G-C.
Other names: c.1045G>C, p.Ala349Pro (NM_001099679.2, NM_001379048.1, NM_001379049.1 and 1 more transcripts); c.2653+26984C>G (NM_014010.5); c.2794+26984C>G (NM_001365069.1); c.2806+26984C>G (NM_001365068.1); short protein forms A349P.
Identifiers: ClinVar variation 2127222 (VCV002127222.4), dbSNP rs1861021323, ClinGen allele CA374650828.

ClinVar aggregate classification (germline): Uncertain significance (1 of 4 stars; one submission).

Conditions:
Bardet-Biedl syndrome (BBS). Identifiers: Orphanet 110, MedGen C0752166, MONDO:0015229.

Submission:

Labcorp Genetics (formerly Invitae), Labcorp
Classification: Uncertain significance for Bardet-Biedl syndrome. Last evaluated: 2022-04-21. Review status: criteria provided, single submitter. Criteria: Invitae Variant Classification Sherloc (09022015). Collection method: clinical testing. Allele origin: germline.
Comment: This sequence change replaces alanine, which is neutral and non-polar, with proline, which is neutral and non-polar, at codon 349 of the TRIM32 protein (p.Ala349Pro). This variant is not present in population databases (gnomAD no frequency). This variant has not been reported in the literature in individuals affected with TRIM32-related conditions. Algorithms developed to predict the effect of missense changes on protein structure and function (SIFT, PolyPhen-2, Align-GVGD) all suggest that this variant is likely to be tolerated. In summary, the available evidence is currently insufficient to determine the role of this variant in disease. Therefore, it has been classified as a Variant of Uncertain Significance.